The following is an entry in ClinVar:

ClinVar aggregate classification (germline): Uncertain significance (1 of 4 stars; one submission).

Submission:

GeneDx
Classification: Uncertain significance. Last evaluated: 2025-05-19. Review status: criteria provided, single submitter. Criteria: GeneDx Variant Classification Process June 2021. Collection method: clinical testing. Allele origin: germline. Affected: yes.
Comment: Not observed at significant frequency in large population cohorts (gnomAD); In silico analysis suggests that this missense variant does not alter protein structure/function; Has not been previously published as pathogenic or benign to our knowledge

NM_153252.5(BRWD3):c.4868C>G (p.Ser1623Cys)

Gene: BRWD3 (bromodomain and WD repeat domain containing 3; minus strand). Cytogenetic location: Xq21.1.
Variant type: single nucleotide variant.
Coding change: c.4868C>G on transcript NM_153252.5 (MANE Select); coding-DNA position 4868, C replaced by G.
Protein change: p.Ser1623Cys; replaces serine 1623 with cysteine.
Molecular consequence: missense variant.
Genome position (GRCh38, 1-based): chrX:80,677,150, G>C on the plus strand (C>G on the coding strand, the complement: BRWD3 is on the minus strand). VCF-style: chrX-80677150-G-C. GRCh37 (hg19) VCF-style: chrX-79932649-G-C.
Other names: c.4718C>G, p.Ser1573Cys (NM_001441339.1); short protein forms S1573C, S1623C.
Identifiers: ClinVar variation 4530940 (VCV004530940.1).
Genomic context (GRCh38, chrX:80,677,150, plus strand): 5'-CTATAATCATGGTCTCCATCTACGTAATCTTGATCTGTTCTGGAAGTTGATTCAGAGTCA[G>C]AGTCAGAACCACAGGTACTTTCAGAACTTAAACTGGATCCTAACTCTCCACTCTCTGAGG-3'
Protein context (NP_694984.5, residues 1613-1633): LSSESTCGSD[Ser1623Cys]DSESTSRTDQ